The following is an entry in ClinVar:

NM_000051.4(ATM):c.6751C>G (p.Leu2251Val)

Genes: ATM (ATM serine/threonine kinase; plus strand), C11orf65 (chromosome 11 open reading frame 65; minus strand). Cytogenetic location: 11q22.3.
Variant type: single nucleotide variant.
Coding change: c.6751C>G on transcript NM_000051.4 (MANE Select); coding-DNA position 6751, C replaced by G.
Protein change: p.Leu2251Val; replaces leucine 2251 with valine.
Molecular consequence: missense variant. On other transcripts: intron variant (2).
Genome position (GRCh38, 1-based): chr11:108,325,488, C>G. VCF-style: chr11-108325488-C-G. GRCh37 (hg19) VCF-style: chr11-108196215-C-G.
Other names: c.*38+9732G>C (NM_001351110.2); c.6751C>G, p.Leu2251Val (NM_001351834.2); c.641-16417G>C (NM_001330368.2); short protein forms L2251V.
Identifiers: ClinVar variation 1002705 (VCV001002705.47), dbSNP rs2085575228, ClinGen allele CA382555269.

ClinVar aggregate classification (germline): Uncertain significance. Review status: criteria provided, multiple submitters, no conflicts (2 of 4 stars). 2 submissions from 2 submitters: Uncertain significance (2). Last evaluated 2025-12-09.

Conditions:
Hereditary cancer-predisposing syndrome. Also called: Tumor predisposition; Neoplastic Syndromes, Hereditary; Hereditary neoplastic syndrome; Hereditary Cancer Syndrome. Identifiers: Orphanet 140162, MedGen C0027672, MeSH D009386, MONDO:0015356.
Ataxia-telangiectasia syndrome (AT). Also called: Ataxia-telangiectasia, complementation group D; AT, COMPLEMENTATION GROUP C; ATAXIA-TELANGIECTASIA, COMPLEMENTATION GROUP A; ATAXIA-TELANGIECTASIA, FRESNO VARIANT; Ataxia-telangiectasia; Ataxia telangiectasia (A-T). Identifiers: Orphanet 100, MedGen C0004135, MONDO:0008840, OMIM 208900.

Submissions (2):

Ambry Genetics
Classification: Uncertain significance for Hereditary cancer-predisposing syndrome. Last evaluated: 2025-12-09. Review status: criteria provided, single submitter. Criteria: Ambry Variant Classification Scheme 2023. Collection method: clinical testing. Allele origin: germline.
Comment: The p.L2251V variant (also known as c.6751C>G), located in coding exon 45 of the ATM gene, results from a C to G substitution at nucleotide position 6751. The leucine at codon 2251 is replaced by valine, an amino acid with highly similar properties. This amino acid position is highly conserved in available vertebrate species. In addition, the in silico prediction for this alteration is inconclusive. Since supporting evidence is limited at this time, the clinical significance of this alteration remains unclear.

Labcorp Genetics (formerly Invitae), Labcorp
Classification: Uncertain significance for Ataxia-telangiectasia syndrome. Last evaluated: 2024-07-08. Review status: criteria provided, single submitter. Criteria: Invitae Variant Classification Sherloc (09022015). Collection method: clinical testing. Allele origin: germline.
Comment: This sequence change replaces leucine, which is neutral and non-polar, with valine, which is neutral and non-polar, at codon 2251 of the ATM protein (p.Leu2251Val). This variant is not present in population databases (gnomAD no frequency). This variant has not been reported in the literature in individuals affected with ATM-related conditions. ClinVar contains an entry for this variant (Variation ID: 1002705). An algorithm developed to predict the effect of missense changes on protein structure and function (PolyPhen-2) suggests that this variant is likely to be disruptive. In summary, the available evidence is currently insufficient to determine the role of this variant in disease. Therefore, it has been classified as a Variant of Uncertain Significance.